The following is an entry in ClinVar:

ClinVar aggregate classification (germline): Benign/Likely benign. Review status: criteria provided, multiple submitters, no conflicts (2 of 4 stars). 28 submissions from 28 submitters: Benign (15); Likely benign (4). 9 of the submissions do not count toward it. Last evaluated 2026-10-01.

Conditions:
APC-Associated Polyposis Disorders.
Hereditary cancer-predisposing syndrome. Also called: Neoplastic Syndromes, Hereditary; Hereditary neoplastic syndrome; Hereditary Cancer Syndrome; Tumor predisposition. Identifiers: Orphanet 140162, MedGen C0027672, MeSH D009386, MONDO:0015356.
Familial adenomatous polyposis 1 (FAP1). Also called: FAMILIAL ADENOMATOUS POLYPOSIS 1, ATTENUATED; POLYPOSIS, ADENOMATOUS INTESTINAL. Identifiers: MedGen C2713442, MONDO:0021056, OMIM 175100. Disease mechanism: loss of function.

Allele frequency attached by ClinVar (database versions not stated): gnomAD 0.00657 and 0.00675; TOPMed 0.00731; ESP Exome Variant Server 0.00938; 1000 Genomes Project 30x 0.00375; 1000 Genomes Project 0.00419; ExAC 0.00449.
gnomAD v4.1: 12,043 of 1,614,050 alleles (0.75%); highest among the groups gnomAD compares: Middle Eastern, 1.2%; 62 homozygotes.

Submissions (28):

CeGaT Center for Human Genetics Tuebingen
Classification: Benign. Last evaluated: 2026-10-01. Review status: criteria provided, single submitter. Criteria: CeGaT Center For Human Genetics Tuebingen Variant Classification Criteria Version 2. Collection method: clinical testing. Allele origin: germline. Affected: yes. Observed: 97 variant alleles.
Comment: APC: BP4, BP7, BS1, BS2

Labcorp Genetics (formerly Invitae), Labcorp
Classification: Benign for Familial adenomatous polyposis 1. Last evaluated: 2026-02-04. Review status: criteria provided, single submitter. Criteria: Invitae Variant Classification Sherloc (09022015). Collection method: clinical testing. Allele origin: germline.

ARUP Laboratories, Molecular Genetics and Genomics, ARUP Laboratories
Classification: Benign. Last evaluated: 2025-07-10. Review status: criteria provided, single submitter. Criteria: ARUP Molecular Germline Variant Investigation Process 2024. Collection method: clinical testing. Allele origin: germline.

Center for Genomic Medicine, Rigshospitalet, Copenhagen University Hospital
Classification: Likely benign. Last evaluated: 2025-03-04. Review status: criteria provided, single submitter. Criteria: ACMG Guidelines, 2015. Collection method: clinical testing. Allele origin: germline.

KCCC/NGS Laboratory, Kuwait Cancer Control Center
Classification: Benign for Familial adenomatous polyposis 1. Last evaluated: 2025-02-01. Review status: criteria provided, single submitter. Criteria: ACMG Guidelines, 2015. Collection method: clinical testing. Allele origin: germline. Affected: no.

Blueprint Genetics
Classification: Likely benign. Last evaluated: 2024-11-22. Review status: criteria provided, single submitter. Criteria: ACMG Guidelines, 2015. Collection method: clinical testing. Allele origin: germline.

Myriad Genetics, Inc.
Classification: Benign for Familial adenomatous polyposis 1. Last evaluated: 2024-04-01. Review status: criteria provided, single submitter. Criteria: Myriad Autosomal Dominant, Autosomal Recessive and X-Linked Classification Criteria (2023). Collection method: clinical testing. Allele origin: unknown.
Comment: This variant is considered benign. This variant is a silent/synonymous amino acid change and it is not expected to impact splicing.

Institute for Biomarker Research, Medical Diagnostic Laboratories, L.L.C.
Classification: Benign for Hereditary cancer-predisposing syndrome. Last evaluated: 2023-06-02. Review status: criteria provided, single submitter. Criteria: ACMG Guidelines, 2015. Collection method: clinical testing. Allele origin: germline.

Mayo Clinic Laboratories, Mayo Clinic
Classification: Benign. Last evaluated: 2023-04-04. Review status: criteria provided, single submitter. Criteria: ACMG Guidelines, 2015. Collection method: clinical testing. Allele origin: germline. Observed: 12 variant alleles.
Comment: BS1, BS2, BP4, BP7

Institute for Clinical Genetics, University Hospital TU Dresden, University Hospital TU Dresden
Classification: Likely benign. Last evaluated: 2021-11-03. Review status: criteria provided, single submitter. Criteria: ACMG Guidelines, 2015. Collection method: clinical testing. Allele origin: germline.

Sema4
Classification: Benign for Hereditary cancer-predisposing syndrome. Last evaluated: 2020-07-28. Review status: criteria provided, single submitter. Criteria: Sema4 Curation Guidelines. Collection method: curation. Allele origin: germline.

Genetic Services Laboratory, University of Chicago
Classification: Benign. Last evaluated: 2018-08-01. Review status: criteria provided, single submitter. Criteria: ACMG Guidelines, 2015. Collection method: clinical testing. Allele origin: germline. Affected: no.

Illumina Laboratory Services, Illumina
Classification: Benign for APC-Associated Polyposis Disorders. Last evaluated: 2018-01-12. Review status: criteria provided, single submitter. Criteria: ICSL Variant Classification Criteria 13 December 2019. Collection method: clinical testing. Allele origin: germline.
Comment: This variant was observed in the ICSL laboratory as part of a predisposition screen in an ostensibly healthy population. It had not been previously curated by ICSL or reported in the Human Gene Mutation Database (HGMD: prior to June 1st, 2018), and was therefore a candidate for classification through an automated scoring system. Utilizing variant allele frequency, disease prevalence and penetrance estimates, and inheritance mode, an automated score was calculated to assess if this variant is too frequent to cause the disease. Based on the score and internal cut-off values, a variant classified as benign is not then subjected to further curation. The score for this variant resulted in a classification of benign for this disease.

Color Diagnostics, LLC DBA Color Health
Classification: Benign for Hereditary cancer-predisposing syndrome. Last evaluated: 2016-03-17. Review status: criteria provided, single submitter. Criteria: ACMG Guidelines, 2015. Collection method: clinical testing. Allele origin: germline.

Eurofins Ntd Llc (ga)
Classification: Benign. Last evaluated: 2014-12-03. Review status: criteria provided, single submitter. Criteria: EGL Classification Definitions 2015. Collection method: clinical testing. Allele origin: germline. Observed: 1 variant allele, 1 heterozygote.

Ambry Genetics
Classification: Benign for Hereditary cancer-predisposing syndrome. Last evaluated: 2014-11-24. Review status: criteria provided, single submitter. Criteria: Ambry Variant Classification Scheme 2023. Collection method: clinical testing. Allele origin: germline.

GeneDx
Classification: Benign. Last evaluated: 2013-10-10. Review status: criteria provided, single submitter. Criteria: GeneDx Variant Classification (06012015). Collection method: clinical testing. Allele origin: germline. Affected: yes.
Comment: This variant is considered likely benign or benign based on one or more of the following criteria: it is a conservative change, it occurs at a poorly conserved position in the protein, it is predicted to be benign by multiple in silico algorithms, and/or has population frequency not consistent with disease.

Breakthrough Genomics
Classification: Likely benign. Review status: criteria provided, single submitter. Criteria: ACMG Guidelines, 2015. Collection method: not provided. Allele origin: germline. Inheritance: Autosomal dominant inheritance. Affected: yes.

PreventionGenetics, part of Exact Sciences
Classification: Benign. Review status: criteria provided, single submitter. Criteria: ACMG Guidelines, 2015. Collection method: clinical testing. Allele origin: germline.

True Health Diagnostics
Classification: Likely benign for Hereditary cancer-predisposing syndrome. Last evaluated: 2017-08-11. Review status: no assertion criteria provided. Collection method: clinical testing. Allele origin: germline. Not counted in ClinVar's aggregate classification.

Laboratory for Molecular Medicine, Mass General Brigham Personalized Medicine
Classification: Benign. Last evaluated: 2008-03-01. Review status: no assertion criteria provided. Collection method: clinical testing. Allele origin: germline. Observed: 1 variant allele. Not counted in ClinVar's aggregate classification.

Clinical Genetics DNA and cytogenetics Diagnostics Lab, Erasmus MC, Erasmus Medical Center
Classification: Benign. Review status: no assertion criteria provided. Collection method: clinical testing. Allele origin: germline. Affected: yes. Study: VKGL Data-share Consensus. Not counted in ClinVar's aggregate classification.

Clinical Genetics Laboratory, Department of Pathology, Netherlands Cancer Institute
Classification: Benign. Review status: no assertion criteria provided. Collection method: clinical testing. Allele origin: germline. Affected: yes. Study: VKGL Data-share Consensus. Not counted in ClinVar's aggregate classification.

Clinical Genetics, Academic Medical Center
Classification: Benign. Review status: no assertion criteria provided. Collection method: clinical testing. Allele origin: germline. Affected: yes. Study: VKGL Data-share Consensus. Not counted in ClinVar's aggregate classification.

Department of Pathology and Laboratory Medicine, Sinai Health System
Classification: Benign. Review status: no assertion criteria provided. Collection method: clinical testing. Allele origin: unknown. Affected: yes. Observed: 1 variant allele. Study: The Canadian Open Genetics Repository (COGR). Not counted in ClinVar's aggregate classification.
Comment: The APC p.Ala1755Ala variant is not expected to have clinical significance because it does not alter an amino acid residue, is not located near a splice junction, and is listed in dbSNP (rs34506289) with a minor allele frequency (MAF) score of 0.004, having been observed in 9/2250 chromosomes (1000 Genomes). It was reported in 3/132 proband chromosomes of individuals with multiple colorectal adenomas and carcinomas, familial adenomatous polyposis (FAP) and sporadic polyposis, and also observed in 2/100 control chromosomes evaluated (Al-Tassan 2002, Hadjisavvas 2006, Kanter-Smoler 2006). These observations increase the likelihood that the variant is of little or no clinical significance. The variant was also reported in the Exome Variant Server and LOVD databases. This variant is classified as benign.

Genome Diagnostics Laboratory, Amsterdam University Medical Center
Classification: Benign. Review status: no assertion criteria provided. Collection method: clinical testing. Allele origin: germline. Affected: yes. Study: VKGL Data-share Consensus. Not counted in ClinVar's aggregate classification.

Joint Genome Diagnostic Labs from Nijmegen and Maastricht, Radboudumc and MUMC+
Classification: Likely benign. Review status: no assertion criteria provided. Collection method: clinical testing. Allele origin: germline. Affected: yes. Study: VKGL Data-share Consensus. Not counted in ClinVar's aggregate classification.

Laboratory of Diagnostic Genome Analysis, Leiden University Medical Center (LUMC)
Classification: Benign. Review status: no assertion criteria provided. Collection method: clinical testing. Allele origin: germline. Affected: yes. Study: VKGL Data-share Consensus. Not counted in ClinVar's aggregate classification.

Literature cited by the submitters: PubMed 16650078 (cited by Laboratory for Molecular Medicine, Mass General Brigham Personalized Medicine).

NM_000038.6(APC):c.5265G>A (p.Ala1755=)

Gene: APC (APC regulator of Wnt signaling pathway; plus strand). Cytogenetic location: 5q22.2.
Variant type: single nucleotide variant.
Coding change: c.5265G>A on transcript NM_000038.6 (MANE Select); coding-DNA position 5265, G replaced by A.
Protein change: p.Ala1755=; no amino-acid change (alanine 1755 retained).
Molecular consequence: synonymous variant.
Genome position (GRCh38, 1-based): chr5:112,840,859, G>A. VCF-style: chr5-112840859-G-A. GRCh37 (hg19) VCF-style: chr5-112176556-G-A.
Other names: p.A1755A:GCG>GCA; CCDS4107.1:c.5265G>A; p.Ala1755Ala; p.Ala1755=; c.5265G>A, p.Ala1755= (NM_001127510.3, NM_001354895.2); c.5211G>A, p.Ala1737= (NM_001127511.3); c.5319G>A, p.Ala1773= (NM_001354896.2); c.5295G>A, p.Ala1765= (NM_001354897.2); and 9 more.
Identifiers: ClinVar variation 42244 (VCV000042244.95), dbSNP rs34506289, ClinGen allele CA009992.
Genomic context (GRCh38, chr5:112,840,859, plus strand): 5'-GAAAAGTCACAAGCCTTTCCGTGTGAAAAAGATAATGGACCAGGTCCAGCAAGCATCTGC[G>A]TCTTCTTCTGCACCCAACAAAAATCAGTTAGATGGTAAGAAAAAGAAACCAACTTCACCA-3'
Protein context (NP_000029.2, residues 1745-1765): KIMDQVQQAS[Ala1755=]SSSAPNKNQL